The following is an entry in ClinVar:

NM_001171.6(ABCC6):c.2891G>A (p.Arg964Gln)

Gene: ABCC6 (ATP binding cassette subfamily C member 6; minus strand). Cytogenetic location: 16p13.11.
Variant type: single nucleotide variant.
Coding change: c.2891G>A on transcript NM_001171.6 (MANE Select); coding-DNA position 2891, G replaced by A.
Protein change: p.Arg964Gln; replaces arginine 964 with glutamine.
Molecular consequence: missense variant. On other transcripts: non-coding transcript variant (1).
Genome position (GRCh38, 1-based): chr16:16,169,750, C>T on the plus strand (G>A on the coding strand, the complement: ABCC6 is on the minus strand). VCF-style: chr16-16169750-C-T. GRCh37 (hg19) VCF-style: chr16-16263607-C-T.
Other names: c.2549G>A, p.Arg850Gln (NM_001351800.1); short protein forms R850Q, R964Q.
Identifiers: ClinVar variation 1955219 (VCV001955219.5), dbSNP rs72657691, ClinGen allele CA7925754.

ClinVar aggregate classification (germline): Uncertain significance (1 of 4 stars; one submission).

gnomAD v4.1: 11 of 1,605,088 alleles (0.00069%); highest among the groups gnomAD compares: Middle Eastern, 0.017%; no homozygotes.

Submission:

Labcorp Genetics (formerly Invitae), Labcorp
Classification: Uncertain significance. Last evaluated: 2022-07-19. Review status: criteria provided, single submitter. Criteria: Invitae Variant Classification Sherloc (09022015). Collection method: clinical testing. Allele origin: germline.
Comment: In summary, the available evidence is currently insufficient to determine the role of this variant in disease. Therefore, it has been classified as a Variant of Uncertain Significance. Advanced modeling of protein sequence and biophysical properties (such as structural, functional, and spatial information, amino acid conservation, physicochemical variation, residue mobility, and thermodynamic stability) performed at Invitae indicates that this missense variant is not expected to disrupt ABCC6 protein function. This variant has not been reported in the literature in individuals affected with ABCC6-related conditions. This variant is not present in population databases (gnomAD no frequency). This sequence change replaces arginine, which is basic and polar, with glutamine, which is neutral and polar, at codon 964 of the ABCC6 protein (p.Arg964Gln).